The following is an entry in ClinVar:

ClinVar aggregate classification (germline): Pathogenic (1 of 4 stars; one submission).

Conditions:
Familial cancer of breast. Also called: Hereditary breast cancer; BREAST CANCER, FAMILIAL; hereditary breast carcinoma. Identifiers: Orphanet 227535, MedGen C0346153, MONDO:0016419, OMIM 114480. Disease mechanism: loss of function.

Submission:

Labcorp Genetics (formerly Invitae), Labcorp
Classification: Pathogenic for Familial cancer of breast. Last evaluated: 2016-08-02. Review status: criteria provided, single submitter. Criteria: Invitae Variant Classification Sherloc (09022015). Collection method: clinical testing. Allele origin: germline.
Comment: This variant is a gross deletion of the genomic region encompassing exons 5-7 of the CHEK2 gene. This creates a premature translational stop signal and is expected to result in an absent or disrupted protein product. While this particular variant has not been reported in the literature, truncating variants in CHEK2 are known to be pathogenic (PMID: 21876083, 24713400). Smaller deletions that result in premature stop signals in exons 5 and 7 respectively have been identified in individuals and families affected with hereditary breast cancer (PMID: 22114986), and with a family history of non-BRCA1/2 related breast or ovarian cancer (PMID: 26534844). This variant removes over 75% of the full-length CHEK2 protein, including the nuclear localization signal and the serine/threonine kinase domain, which is required for CHEK2 protein function in DNA repair and cell cycle regulation (PMID: 12909615, 12855706, 18004398, 11733767). For these reasons, this variant has been classified as Pathogenic.

NC_000022.11:g.(?_28710006)_(28719485_?)del

Gene: CHEK2 (checkpoint kinase 2; minus strand). Cytogenetic location: 22q12.1.
Variant type: Deletion.
Identifiers: ClinVar variation 417608 (VCV000417608.2).